The following is an entry in ClinVar:

ClinVar aggregate classification (germline): Uncertain significance. Review status: criteria provided, multiple submitters, no conflicts (2 of 4 stars). 6 submissions from 6 submitters: Uncertain significance (5). 1 of the submissions does not count toward it. Last evaluated 2022-03-14.

Conditions:
Cardiovascular phenotype. Identifiers: MedGen CN230736.
Glycogen storage disease, type II (IOPD). Also called: Pompe Disease; GLYCOGENOSIS, GENERALIZED, CARDIAC FORM; GSD II; POMPE DISEASE, INFANTILE-ONSET; GLYCOGEN STORAGE DISEASE II, INFANTILE-ONSET; ACID ALPHA-GLUCOSIDASE DEFICIENCY, INFANTILE-ONSET. Identifiers: Orphanet 365, MedGen C0017921, MONDO:0009290, OMIM 232300.

Allele frequency attached by ClinVar (database versions not stated): gnomAD 0.00002 and 0.00003; gnomAD exomes 0.00002; TOPMed 0.00002; ExAC 0.00003.
gnomAD v4.1: 37 of 1,611,740 alleles (0.0023%); highest among the groups gnomAD compares: Non-Finnish European, 0.0028%; no homozygotes.

Submissions (6):

Labcorp Genetics (formerly Invitae), Labcorp
Classification: Uncertain significance for Glycogen storage disease, type II. Last evaluated: 2022-03-14. Review status: criteria provided, single submitter. Criteria: Invitae Variant Classification Sherloc (09022015). Collection method: clinical testing. Allele origin: germline.
Comment: This sequence change replaces valine, which is neutral and non-polar, with methionine, which is neutral and non-polar, at codon 617 of the GAA protein (p.Val617Met). This variant is present in population databases (rs767977395, gnomAD 0.01%). This variant has not been reported in the literature in individuals affected with GAA-related conditions. ClinVar contains an entry for this variant (Variation ID: 499878). Advanced modeling of protein sequence and biophysical properties (such as structural, functional, and spatial information, amino acid conservation, physicochemical variation, residue mobility, and thermodynamic stability) performed at Invitae indicates that this missense variant is expected to disrupt GAA protein function. In summary, the available evidence is currently insufficient to determine the role of this variant in disease. Therefore, it has been classified as a Variant of Uncertain Significance.

Fulgent Genetics
Classification: Uncertain significance for Glycogen storage disease, type II. Last evaluated: 2021-11-15. Review status: criteria provided, single submitter. Criteria: ACMG Guidelines, 2015. Collection method: clinical testing. Allele origin: unknown.

Ambry Genetics
Classification: Uncertain significance for Cardiovascular phenotype. Last evaluated: 2021-09-20. Review status: criteria provided, single submitter. Criteria: Ambry Variant Classification Scheme 2023. Collection method: clinical testing. Allele origin: germline.
Comment: The p.V617M variant (also known as c.1849G>A), located in coding exon 12 of the GAA gene, results from a G to A substitution at nucleotide position 1849. The valine at codon 617 is replaced by methionine, an amino acid with highly similar properties. This amino acid position is conserved. In addition, this alteration is predicted to be deleterious by in silico analysis. Since supporting evidence is limited at this time, the clinical significance of this alteration remains unclear.

Genome-Nilou Lab
Classification: Uncertain significance for Glycogen storage disease, type II. Last evaluated: 2021-09-05. Review status: criteria provided, single submitter. Criteria: ACMG Guidelines, 2015. Collection method: clinical testing. Allele origin: germline. Affected: no.

Eurofins Ntd Llc (ga)
Classification: Uncertain significance. Last evaluated: 2017-01-16. Review status: criteria provided, single submitter. Criteria: EGL Classification Definitions 2015. Collection method: clinical testing. Allele origin: germline. Observed: 1 variant allele, 1 heterozygote.

Natera, Inc.
Classification: Uncertain significance for Glycogen storage disease type II. Last evaluated: 2019-10-28. Review status: no assertion criteria provided. Collection method: clinical testing. Allele origin: germline. Not counted in ClinVar's aggregate classification.

NM_000152.5(GAA):c.1849G>A (p.Val617Met)

Gene: GAA (alpha glucosidase; plus strand). Cytogenetic location: 17q25.3.
Variant type: single nucleotide variant.
Coding change: c.1849G>A on transcript NM_000152.5 (MANE Select); coding-DNA position 1849, G replaced by A.
Protein change: p.Val617Met; replaces valine 617 with methionine.
Molecular consequence: missense variant.
Genome position (GRCh38, 1-based): chr17:80,112,672, G>A. VCF-style: chr17-80112672-G-A. GRCh37 (hg19) VCF-style: chr17-78086471-G-A.
Other names: c.1849G>A, p.Val617Met (NM_001079803.3, NM_001079804.3); c.1849G>A (NM_001079803.2); short protein forms V617M.
Identifiers: ClinVar variation 499878 (VCV000499878.19), dbSNP rs767977395, ClinGen allele CA8815499.
Genomic context (GRCh38, chr17:80,112,672, plus strand): 5'-GTGATCTCCCGCTCGACCTTTGCTGGCCACGGCCGATACGCCGGCCACTGGACGGGGGAC[G>A]TGTGGAGCTCCTGGGAGCAGCTCGCCTCCTCCGTGCCAGGTGAGCTCCTACCAGGAGGGG-3'
Protein context (NP_000143.2, residues 607-627): GRYAGHWTGD[Val617Met]WSSWEQLASS